The following is an entry in ClinVar:

NM_001830.4(CLCN4):c.497dup (p.Leu166fs)

Gene: CLCN4 (Cl-/H+ antiporter 4; plus strand). Cytogenetic location: Xp22.2.
Variant type: Duplication.
Coding change: c.497dup on transcript NM_001830.4 (MANE Select); coding-DNA position 497, one base duplicated (T; older notation c.497dupT).
Protein change: p.Leu166fs; shifts the reading frame from leucine 166.
Molecular consequence: frameshift variant.
Genome position (GRCh38, 1-based): chrX:10,198,003, T duplicated; the last of 5 consecutive T bases (chrX:10,197,999-10,198,003); duplicating any one gives the same sequence. VCF-style (leftmost placement, unchanged base first): chrX-10197998-A-AT. GRCh37 (hg19) VCF-style: chrX-10166038-A-AT.
Other names: c.215dup, p.Leu72fs (NM_001256944.2); short protein forms L166fs, L72fs.
Identifiers: ClinVar variation 1069029 (VCV001069029.7), dbSNP rs2147173819, ClinGen allele CA2499226286.
Genomic context (GRCh38, chrX:10,197,998, plus strand): 5'-GGGTGCCAGTGCTTACATTCTGAATTACTTAATGTACATCCTATGGGCGCTGCTGTTTGC[A>AT]TTTTTGGCTGTCTCCCTGGTGCGTGTATTTGCACCATATGCCTGTGGCTCTGGCATACCA-3'

ClinVar aggregate classification (germline): Pathogenic (1 of 4 stars; one submission).

Submission:

Labcorp Genetics (formerly Invitae), Labcorp
Classification: Pathogenic. Last evaluated: 2025-03-07. Review status: criteria provided, single submitter. Criteria: Invitae Variant Classification Sherloc (09022015). Collection method: clinical testing. Allele origin: germline.
Comment: This sequence change creates a premature translational stop signal (p.Leu166Phefs*84) in the CLCN4 gene. It is expected to result in an absent or disrupted protein product. Loss-of-function variants in CLCN4 are known to be pathogenic (PMID: 27550844). This variant is not present in population databases (gnomAD no frequency). This variant has not been reported in the literature in individuals affected with CLCN4-related conditions. ClinVar contains an entry for this variant (Variation ID: 1069029). For these reasons, this variant has been classified as Pathogenic.

Literature cited by the submitters: PubMed 27550844.